The following is an entry in ClinVar:

NM_001134407.3(GRIN2A):c.3003C>T (p.Ser1001=)

Gene: GRIN2A (glutamate ionotropic receptor NMDA type subunit 2A; minus strand). Cytogenetic location: 16p13.2.
Variant type: single nucleotide variant.
Coding change: c.3003C>T on transcript NM_001134407.3 (MANE Select); coding-DNA position 3003, C replaced by T.
Protein change: p.Ser1001=; no amino-acid change (serine 1001 retained).
Molecular consequence: synonymous variant.
Genome position (GRCh38, 1-based): chr16:9,764,541, G>A on the plus strand (C>T on the coding strand, the complement: GRIN2A is on the minus strand). VCF-style: chr16-9764541-G-A. GRCh37 (hg19) VCF-style: chr16-9858398-G-A.
Other names: c.3003C>T, p.Ser1001= (NM_000833.5, NM_001134408.2).
Identifiers: ClinVar variation 416695 (VCV000416695.18), dbSNP rs199551487, ClinGen allele CA7896389.
Genomic context (GRCh38, chr16:9,764,541, plus strand): 5'-TATGGAATCCACGGATTTCTTCCACAGCTGCCGGGGTCTAGAGTTCGCTTTGGATTCTGT[G>A]CTCACGGCCACCTCCACCGTGTTAGGGTTGGACTCATTGAGAGTAAGAGGATGTTGTCCC-3'
Protein context (NP_001127879.1, residues 991-1011): SNPNTVEVAV[Ser1001=]TESKANSRPR

ClinVar aggregate classification (germline): Likely benign. Review status: criteria provided, multiple submitters, no conflicts (2 of 4 stars). 4 submissions from 4 submitters: Likely benign (4). Last evaluated 2026-02-01.

Conditions:
Landau-Kleffner syndrome (FESD). Also called: EPILEPSY, FOCAL, WITH SPEECH DISORDER AND WITH OR WITHOUT MENTAL RETARDATION; APHASIA, ACQUIRED, WITH EPILEPSY. Identifiers: Orphanet 1945, Orphanet 725, Orphanet 98818, MedGen C0282512, MONDO:0009509, OMIM 245570.

Allele frequency attached by ClinVar (database versions not stated): gnomAD 0.00003 and 0.00004; TOPMed 0.00005; 1000 Genomes Project 0.00020; ExAC 0.00005; gnomAD exomes 0.00011 and 0.00008; 1000 Genomes Project 30x 0.00016; ESP Exome Variant Server 0.00008.
gnomAD v4.1: 172 of 1,613,894 alleles (0.011%); highest among the groups gnomAD compares: Admixed American, 0.02%; no homozygotes.

Submissions (4):

CeGaT Center for Human Genetics Tuebingen
Classification: Likely benign. Last evaluated: 2026-02-01. Review status: criteria provided, single submitter. Criteria: CeGaT Center For Human Genetics Tuebingen Variant Classification Criteria Version 2. Collection method: clinical testing. Allele origin: germline. Affected: yes. Observed: 1 variant allele.
Comment: GRIN2A: BP4

Labcorp Genetics (formerly Invitae), Labcorp
Classification: Likely benign for Landau-Kleffner syndrome. Last evaluated: 2025-09-16. Review status: criteria provided, single submitter. Criteria: Invitae Variant Classification Sherloc (09022015). Collection method: clinical testing. Allele origin: germline.

Blueprint Genetics
Classification: Likely benign. Last evaluated: 2022-03-29. Review status: criteria provided, single submitter. Criteria: ACMG Guidelines, 2015. Collection method: clinical testing. Allele origin: germline.

GeneDx
Classification: Likely benign. Last evaluated: 2018-06-20. Review status: criteria provided, single submitter. Criteria: GeneDx Variant Classification Process June 2021. Collection method: clinical testing. Allele origin: germline. Affected: yes.